The following is an entry in ClinVar:

NM_001557.4(CXCR2):c.90C>T (p.Pro30=)

Gene: CXCR2 (C-X-C motif chemokine receptor 2; plus strand). Cytogenetic location: 2q35.
Variant type: single nucleotide variant.
Coding change: c.90C>T on transcript NM_001557.4 (MANE Select); coding-DNA position 90, C replaced by T.
Protein change: p.Pro30=; no amino-acid change (proline 30 retained).
Molecular consequence: synonymous variant.
Genome position (GRCh38, 1-based): chr2:218,134,891, C>T. VCF-style: chr2-218134891-C-T. GRCh37 (hg19) VCF-style: chr2-218999614-C-T.
Other names: c.90C>T, p.Pro30= (NM_001168298.2); c.90C>T (NM_001168298.1).
Identifiers: ClinVar variation 733986 (VCV000733986.11), dbSNP rs142762038, ClinGen allele CA2101643.

ClinVar aggregate classification (germline): Benign/Likely benign. Review status: criteria provided, multiple submitters, no conflicts (2 of 4 stars). 3 submissions from 3 submitters: Benign (1); Likely benign (2). Last evaluated 2026-06-17.

Conditions:
CXCR2-related disorder. Also called: CXCR2-related condition.

Allele frequency attached by ClinVar (database versions not stated): TOPMed 0.00041; 1000 Genomes Project 30x 0.00047; ESP Exome Variant Server 0.00054; 1000 Genomes Project 0.00060.
gnomAD v4.1: 1,338 of 1,614,134 alleles (0.083%); highest among the groups gnomAD compares: South Asian, 0.22%; 2 homozygotes.

Submissions (3):

PreventionGenetics, part of Exact Sciences
Classification: Likely benign for CXCR2-related condition. Last evaluated: 2026-06-17. Review status: criteria provided, single submitter. Criteria: ACMG Guidelines, 2015. Collection method: clinical testing. Allele origin: germline.
Comment: This variant is classified as likely benign based on ACMG/AMP sequence variant interpretation guidelines (Richards et al. 2015 PMID: 25741868, with internal and published modifications).

Labcorp Genetics (formerly Invitae), Labcorp
Classification: Benign. Last evaluated: 2026-01-18. Review status: criteria provided, single submitter. Criteria: Invitae Variant Classification Sherloc (09022015). Collection method: clinical testing. Allele origin: germline.

Blueprint Genetics
Classification: Likely benign. Last evaluated: 2024-10-25. Review status: criteria provided, single submitter. Criteria: ACMG Guidelines, 2015. Collection method: clinical testing. Allele origin: germline.